The following is an entry in ClinVar:

NM_018406.7(MUC4):c.13350G>A (p.Lys4450=)

Gene: MUC4 (mucin 4, cell surface associated). Cytogenetic location: 3q29.
Variant type: single nucleotide variant.
Coding change: c.13350G>A on transcript NM_018406.7 (MANE Select); coding-DNA position 13350, G replaced by A.
Protein change: p.Lys4450=; no amino-acid change (lysine 4450 retained).
Molecular consequence: synonymous variant.
Genome position (GRCh38, 1-based): chr3:195,770,264, C>T on the plus strand (G>A on the coding strand, the complement: MUC4 is on the minus strand). VCF-style: chr3-195770264-C-T. GRCh37 (hg19) VCF-style: chr3-195497135-C-T.
Other names: c.19368G>A, p.Lys6456= (NM_001322468.1); c.642G>A, p.Lys214= (NM_004532.6); c.489G>A, p.Lys163= (NM_138297.5).
Identifiers: ClinVar variation 2654376 (VCV002654376.24), dbSNP rs145520860, ClinGen allele CA2768278.

ClinVar aggregate classification (germline): Likely benign (1 of 4 stars; one submission).

Allele frequency attached by ClinVar (database versions not stated): 1000 Genomes Project 30x 0.00016; 1000 Genomes Project 0.00020; TOPMed 0.00043; ESP Exome Variant Server 0.00054; gnomAD exomes 0.00071; gnomAD 0.00108; ExAC 0.00129.
gnomAD v4.1: 1,178 of 1,613,904 alleles (0.073%); highest among the groups gnomAD compares: Non-Finnish European, 0.065%; 2 homozygotes.

Submission:

CeGaT Center for Human Genetics Tuebingen
Classification: Likely benign. Last evaluated: 2022-05-01. Review status: criteria provided, single submitter. Criteria: CeGaT Center For Human Genetics Tuebingen Variant Classification Criteria Version 2. Collection method: clinical testing. Allele origin: germline. Affected: yes. Observed: 1 variant allele.
Comment: MUC4: BP4, BP7